The following is an entry in ClinVar:

ClinVar aggregate classification (germline): Uncertain significance (1 of 4 stars; one submission).

Allele frequency attached by ClinVar (database versions not stated): gnomAD exomes below 0.00001; ExAC 0.00001; TOPMed 0.00001.
gnomAD v4.1: 1 of 1,211,806 alleles (0.000083%); highest among the groups gnomAD compares: Admixed American, 0.0022%; no homozygotes.

Submission:

Labcorp Genetics (formerly Invitae), Labcorp
Classification: Uncertain significance. Last evaluated: 2022-09-13. Review status: criteria provided, single submitter. Criteria: Invitae Variant Classification Sherloc (09022015). Collection method: clinical testing. Allele origin: germline.
Comment: This sequence change replaces glutamic acid, which is acidic and polar, with aspartic acid, which is acidic and polar, at codon 83 of the ATP6AP1 protein (p.Glu83Asp). This variant is not present in population databases (gnomAD no frequency). This variant has not been reported in the literature in individuals affected with ATP6AP1-related conditions. Advanced modeling of protein sequence and biophysical properties (such as structural, functional, and spatial information, amino acid conservation, physicochemical variation, residue mobility, and thermodynamic stability) performed at Invitae indicates that this missense variant is not expected to disrupt ATP6AP1 protein function. In summary, the available evidence is currently insufficient to determine the role of this variant in disease. Therefore, it has been classified as a Variant of Uncertain Significance.

NM_001183.6(ATP6AP1):c.249G>C (p.Glu83Asp)

Gene: ATP6AP1 (ATPase H+ transporting accessory protein 1; plus strand). Cytogenetic location: Xq28.
Variant type: single nucleotide variant.
Coding change: c.249G>C on transcript NM_001183.6 (MANE Select); coding-DNA position 249, G replaced by C.
Protein change: p.Glu83Asp; replaces glutamic acid 83 with aspartic acid.
Molecular consequence: missense variant.
Genome position (GRCh38, 1-based): chrX:154,429,135, G>C. VCF-style: chrX-154429135-G-C. GRCh37 (hg19) VCF-style: chrX-153657481-G-C.
Other names: short protein forms E83D.
Identifiers: ClinVar variation 1993921 (VCV001993921.4), dbSNP rs782542159, ClinGen allele CA10562539.
Genomic context (GRCh38, chrX:154,429,135, plus strand): 5'-TCATGAAGGCCACATCACCAGCGACTTGCAGCTCTCTACCTACTTAGATCCCGCCCTGGA[G>C]CTGGGTCCCAGGAATGTGCTGCTGTTCCTGCAGGACAAGGTGCGCCCGCCCCAGCCCACT-3'
Protein context (NP_001174.2, residues 73-93): QLSTYLDPAL[Glu83Asp]LGPRNVLLFL